The following is an entry in ClinVar:

NM_000057.4(BLM):c.654A>G (p.Ile218Met)

Gene: BLM (BLM RecQ like helicase; plus strand). Cytogenetic location: 15q26.1.
Variant type: single nucleotide variant.
Coding change: c.654A>G on transcript NM_000057.4 (MANE Select); coding-DNA position 654, A replaced by G.
Protein change: p.Ile218Met; replaces isoleucine 218 with methionine.
Molecular consequence: missense variant. On other transcripts: 5 prime UTR variant (1).
Genome position (GRCh38, 1-based): chr15:90,749,922, A>G. VCF-style: chr15-90749922-A-G. GRCh37 (hg19) VCF-style: chr15-91293152-A-G.
Other names: c.654A>G, p.Ile218Met (NM_001287246.2, NM_001287247.2); c.-638A>G (NM_001287248.2); short protein forms I218M.
Identifiers: ClinVar variation 2566836 (VCV002566836.2), dbSNP rs2505394051, ClinGen allele CA393841263.
Genomic context (GRCh38, chr15:90,749,922, plus strand): 5'-TTATACAACAAACACAGTAAAGACTGATTTGCCTCCACCCTCCTCTGAAAGCGAGCAAAT[A>G]GATTTGACTGAGGAACAGAAGGATGACTCAGAATGGTTAAGCAGCGATGTGATTTGCATC-3'
Protein context (NP_000048.1, residues 208-228): LPPPSSESEQ[Ile218Met]DLTEEQKDDS

ClinVar aggregate classification (germline): Uncertain significance (1 of 4 stars; one submission).

Conditions:
Hereditary cancer-predisposing syndrome. Also called: Hereditary neoplastic syndrome; Hereditary Cancer Syndrome; Neoplastic Syndromes, Hereditary; Tumor predisposition. Identifiers: Orphanet 140162, MedGen C0027672, MeSH D009386, MONDO:0015356.

Allele frequency attached by ClinVar (database versions not stated): gnomAD exomes below 0.00001.
gnomAD v4.1: 1 of 1,613,684 alleles (0.000062%); highest among the groups gnomAD compares: Non-Finnish European, 0.000085%; no homozygotes.

Submission:

Ambry Genetics
Classification: Uncertain significance for Hereditary cancer-predisposing syndrome. Last evaluated: 2023-05-13. Review status: criteria provided, single submitter. Criteria: Ambry Variant Classification Scheme 2023. Collection method: clinical testing. Allele origin: germline.
Comment: The p.I218M variant (also known as c.654A>G), located in coding exon 2 of the BLM gene, results from an A to G substitution at nucleotide position 654. The isoleucine at codon 218 is replaced by methionine, an amino acid with highly similar properties. This amino acid position is conserved. In addition, this alteration is predicted to be tolerated by in silico analysis. Since supporting evidence is limited at this time, the clinical significance of this alteration remains unclear.